The following is an entry in ClinVar:

ClinVar aggregate classification (germline): Uncertain significance (1 of 4 stars; one submission).

Submission:

Labcorp Genetics (formerly Invitae), Labcorp
Classification: Uncertain significance. Last evaluated: 2022-04-20. Review status: criteria provided, single submitter. Criteria: Invitae Variant Classification Sherloc (09022015). Collection method: clinical testing. Allele origin: germline.
Comment: In summary, the available evidence is currently insufficient to determine the role of this variant in disease. Therefore, it has been classified as a Variant of Uncertain Significance. Algorithms developed to predict the effect of missense changes on protein structure and function (SIFT, PolyPhen-2, Align-GVGD) all suggest that this variant is likely to be tolerated. This variant has not been reported in the literature in individuals affected with C3-related conditions. This variant is not present in population databases (gnomAD no frequency). This sequence change replaces glutamine, which is neutral and polar, with arginine, which is basic and polar, at codon 1283 of the C3 protein (p.Gln1283Arg).

NM_000064.4(C3):c.3848A>G (p.Gln1283Arg)

Gene: C3 (complement C3; minus strand). Cytogenetic location: 19p13.3.
Variant type: single nucleotide variant.
Coding change: c.3848A>G on transcript NM_000064.4 (MANE Select); coding-DNA position 3848, A replaced by G.
Protein change: p.Gln1283Arg; replaces glutamine 1283 with arginine.
Molecular consequence: missense variant.
Genome position (GRCh38, 1-based): chr19:6,685,109, T>C on the plus strand (A>G on the coding strand, the complement: C3 is on the minus strand). VCF-style: chr19-6685109-T-C. GRCh37 (hg19) VCF-style: chr19-6685120-T-C.
Other names: short protein forms Q1283R.
Identifiers: ClinVar variation 2128210 (VCV002128210.4), dbSNP rs2512233455, ClinGen allele CA403618533.
Genomic context (GRCh38, chr19:6,685,109, plus strand): 5'-CGGCTGGGCAGTTGGAGGGACACATCAAGGTTCAGTTCCTGGTGGTCAGGGGCGTCCTTT[T>C]GGTATTGAGCCAAGGCTTGGAACACCATGAAGGTGGCCTAGAACCCACAAGAGAGAAAGA-3'
Protein context (NP_000055.2, residues 1273-1293): FMVFQALAQY[Gln1283Arg]KDAPDHQELN